The following is an entry in ClinVar:

ClinVar aggregate classification (germline): Uncertain significance (1 of 4 stars; one submission).

Conditions:
PALLD-related disorder. Also called: PALLD-related condition.

gnomAD v4.1: 7 of 1,614,098 alleles (0.00043%); highest among the groups gnomAD compares: Non-Finnish European, 0.00059%; no homozygotes.

Submission:

PreventionGenetics, part of Exact Sciences
Classification: Uncertain significance for PALLD-related condition. Last evaluated: 2025-01-03. Review status: criteria provided, single submitter. Criteria: ACMG Guidelines, 2015. Collection method: clinical testing. Allele origin: germline.
Comment: The PALLD c.1680A>T variant is predicted to result in the amino acid substitution p.Gln560His. To our knowledge, this variant has not been reported in the literature. This variant is reported in 0.00088% of alleles in individuals of European (non-Finnish) descent in gnomAD. At this time, the clinical significance of this variant is uncertain due to the absence of conclusive functional and genetic evidence.

NM_001166108.2(PALLD):c.1680A>T (p.Gln560His)

Gene: PALLD (palladin, cytoskeletal associated protein; plus strand). Cytogenetic location: 4q32.3.
Variant type: single nucleotide variant.
Coding change: c.1680A>T on transcript NM_001166108.2 (MANE Select); coding-DNA position 1680, A replaced by T.
Protein change: p.Gln560His; replaces glutamine 560 with histidine.
Molecular consequence: missense variant.
Genome position (GRCh38, 1-based): chr4:168,711,639, A>T. VCF-style: chr4-168711639-A-T. GRCh37 (hg19) VCF-style: chr4-169632790-A-T.
Other names: c.534A>T, p.Gln178His (NM_001166109.2); c.1680A>T, p.Gln560His (NM_016081.4); short protein forms Q178H, Q560H.
Identifiers: ClinVar variation 3030097 (VCV003030097.3), dbSNP rs943155016, ClinGen allele CA358797983.
Genomic context (GRCh38, chr4:168,711,639, plus strand): 5'-AGCCAACACTGAAAACTGTAGTTACGAGTCAATGGGAGAATCCAACAATGACCACTTCCA[A>T]CACTTTCCACCTCCCCCTCCAATCTTGGAGACAAGTTCCTTGGAGTTGGCTTCAAAGAAA-3'
Protein context (NP_001159580.1, residues 550-570): SMGESNNDHF[Gln560His]HFPPPPPILE